The following is an entry in ClinVar:

NM_014140.4(SMARCAL1):c.2462T>G (p.Ile821Ser)

Gene: SMARCAL1 (SNF2 related chromatin remodeling annealing helicase 1; plus strand). Cytogenetic location: 2q35.
Variant type: single nucleotide variant.
Coding change: c.2462T>G on transcript NM_014140.4 (MANE Select); coding-DNA position 2462, T replaced by G.
Protein change: p.Ile821Ser; replaces isoleucine 821 with serine.
Molecular consequence: missense variant.
Genome position (GRCh38, 1-based): chr2:216,477,143, T>G. VCF-style: chr2-216477143-T-G. GRCh37 (hg19) VCF-style: chr2-217341866-T-G.
Other names: c.2462T>G, p.Ile821Ser (NM_001127207.2); short protein forms I821S.
Identifiers: ClinVar variation 4815604 (VCV004815604.1).

ClinVar aggregate classification (germline): Likely pathogenic (1 of 4 stars; one submission).

Conditions:
Schimke immuno-osseous dysplasia (SIOD). Also called: Schimke Immunoosseous Dysplasia. Identifiers: Orphanet 1830, MedGen C0877024, MONDO:0009458, OMIM 242900.

Submission:

Natera, Inc.
Classification: Likely pathogenic for Schimke immuno-osseous dysplasia. Last evaluated: 2024-07-03. Review status: criteria provided, single submitter. Criteria: Natera Variant Classification Schema (03/2026). Collection method: clinical testing. Allele origin: germline.
Comment: The c.2462T>G variant in SMARCAL1 is a missense variant predicted to cause substitution of isoleucine to serine at amino acid 821. This variant is rare in the general population with a frequency below the threshold expected for the associated phenotype(s). This variant has been observed in one or more individuals affected with the associated recessive disease, as either homozygous or compound heterozygous with a second variant (PMID: 28796785). Additionally, this variant has been observed to segregate in affected family members (PMID: 28796785). Computational prediction algorithms indicate this variant is likely to affect gene or protein function. Given the available evidence, this variant is classified as Likely Pathogenic.

Literature cited by the submitters: PubMed 28796785.